The following is an entry in ClinVar:

NM_144687.4(NLRP12):c.2386del (p.His796fs)

Gene: NLRP12 (NLR family pyrin domain containing 12; minus strand). Cytogenetic location: 19q13.42.
Variant type: Deletion.
Coding change: c.2386del on transcript NM_144687.4 (MANE Select); coding-DNA position 2386, one base deleted (C; older notation c.2386delC).
Protein change: p.His796fs; shifts the reading frame from histidine 796.
Molecular consequence: frameshift variant.
Genome position (GRCh38, 1-based): chr19:53,805,308, G deleted on the plus strand (C on the coding strand, the reverse complement: NLRP12 is on the minus strand). VCF-style (leftmost placement, unchanged base first): chr19-53805307-TG-T. GRCh37 (hg19) VCF-style: chr19-54308561-TG-T.
Other names: c.2386delC (NM_144687.4); c.2389del, p.His797fs (NM_001277126.2); c.2386del, p.His796fs (NM_001277129.1); short protein forms H797fs, H796fs.
Identifiers: ClinVar variation 731993 (VCV000731993.15), dbSNP rs539741111, ClinGen allele CA9639101.

ClinVar aggregate classification (germline): Conflicting classifications of pathogenicity. Review status: criteria provided, conflicting classifications (1 of 4 stars). 5 submissions from 5 submitters: Uncertain significance (1); Likely benign (4). Last evaluated 2026-01-07.

Conditions:
Familial cold autoinflammatory syndrome 2 (FCAS2). Identifiers: Orphanet 247868, MedGen C2673198, MONDO:0012724, OMIM 611762.

Allele frequency attached by ClinVar (database versions not stated): gnomAD exomes 0.00008 and 0.00025; ExAC 0.00030; ESP Exome Variant Server 0.00088; gnomAD 0.00090 and 0.00102; TOPMed 0.00094; 1000 Genomes Project 0.00120.

Submissions (5):

Labcorp Genetics (formerly Invitae), Labcorp
Classification: Likely benign for Familial cold autoinflammatory syndrome 2. Last evaluated: 2026-01-07. Review status: criteria provided, single submitter. Criteria: Invitae Variant Classification Sherloc (09022015). Collection method: clinical testing. Allele origin: germline.

ARUP Laboratories, Molecular Genetics and Genomics, ARUP Laboratories
Classification: Likely benign for Familial cold autoinflammatory syndrome 2. Last evaluated: 2025-04-11. Review status: criteria provided, single submitter. Criteria: ARUP Molecular Germline Variant Investigation Process 2024. Collection method: clinical testing. Allele origin: germline.

Women's Health and Genetics/Laboratory Corporation of America, LabCorp
Classification: Likely benign. Last evaluated: 2025-02-17. Review status: criteria provided, single submitter. Criteria: LabCorp Variant Classification Summary - May 2015. Collection method: clinical testing. Allele origin: germline.
Comment: Variant summary: NLRP12 c.2386delC (p.His796IlefsX8) results in a premature termination codon, predicted to cause a truncation of the encoded protein or absence of the protein due to nonsense mediated decay, however current evidence is not sufficient to establish loss of function as a mechanism for disease. The variant allele was found at a frequency of 0.00025 in 251396 control chromosomes (gnomAD). The observed variant frequency is approximately 247 fold of the estimated maximal expected allele frequency for a pathogenic variant in NLRP12 causing Familial cold autoinflammatory syndrome 2 phenotype (1e-06). To our knowledge, no occurrence of c.2386delC in individuals affected with Familial cold autoinflammatory syndrome 2 and no experimental evidence demonstrating its impact on protein function have been reported. ClinVar contains an entry for this variant (Variation ID: 731993). Based on the evidence outlined above, the variant was classified as likely benign.

Blueprint Genetics
Classification: Likely benign. Last evaluated: 2024-11-14. Review status: criteria provided, single submitter. Criteria: ACMG Guidelines, 2015. Collection method: clinical testing. Allele origin: germline.

Department of Pathology and Laboratory Medicine, Sinai Health System
Classification: Uncertain significance for familial cold autoinflammatory syndrome 2. Last evaluated: 2021-07-30. Review status: criteria provided, single submitter. Criteria: ACMG Guidelines, 2015. Collection method: research. Allele origin: germline.